The following is an entry in ClinVar:

ClinVar aggregate classification (germline): Uncertain significance (1 of 4 stars; one submission).

Conditions:
Inborn genetic diseases. Identifiers: MedGen C0950123, MeSH D030342.

gnomAD v4.1: 2 of 1,613,032 alleles (0.00012%); highest among the groups gnomAD compares: Non-Finnish European, 0.000085%; no homozygotes.

Submission:

Ambry Genetics
Classification: Uncertain significance for Inborn genetic diseases. Last evaluated: 2025-01-15. Review status: criteria provided, single submitter. Criteria: Ambry Variant Classification Scheme 2023. Collection method: clinical testing. Allele origin: germline.
Comment: The p.P850L variant (also known as c.2549C>T), located in coding exon 9 of the MECOM gene, results from a C to T substitution at nucleotide position 2549. The proline at codon 850 is replaced by leucine, an amino acid with similar properties. This amino acid position is conserved. In addition, the in silico prediction for this alteration is inconclusive. Based on the available evidence, the clinical significance of this variant remains unclear.

NM_004991.4(MECOM):c.2549C>T (p.Pro850Leu)

Gene: MECOM (MDS1 and EVI1 complex locus; minus strand). Cytogenetic location: 3q26.2.
Variant type: single nucleotide variant.
Coding change: c.2549C>T on transcript NM_004991.4 (MANE Select); coding-DNA position 2549, C replaced by T.
Protein change: p.Pro850Leu; replaces proline 850 with leucine.
Molecular consequence: missense variant.
Genome position (GRCh38, 1-based): chr3:169,112,815, G>A on the plus strand (C>T on the coding strand, the complement: MECOM is on the minus strand). VCF-style: chr3-169112815-G-A. GRCh37 (hg19) VCF-style: chr3-168830603-G-A.
Other names: c.2180C>T, p.Pro727Leu (NM_001105077.4); c.1985C>T, p.Pro662Leu (NM_001105078.4, NM_001164000.2, NM_001205194.2 and 4 more transcripts); c.1988C>T, p.Pro663Leu (NM_001163999.2, NM_001366467.2, NM_001366468.2 and 1 more transcripts); c.2549C>T, p.Pro850Leu (NM_001366466.2); c.1577C>T, p.Pro526Leu (NM_001366473.2); c.1013C>T, p.Pro338Leu (NM_001366474.2); short protein forms P338L, P526L, P850L, P663L, P662L, P727L.
Identifiers: ClinVar variation 3871715 (VCV003871715.1).